The following is an entry in ClinVar:

ClinVar aggregate classification (germline): Uncertain significance (1 of 4 stars; one submission).

Submission:

Ambry Genetics
Classification: Uncertain significance. Last evaluated: 2026-06-09. Review status: criteria provided, single submitter. Criteria: Ambry Variant Classification Scheme 2023. Collection method: clinical testing. Allele origin: germline.
Comment: The p.R1098K variant (also known as c.3293G>A), located in coding exon 2 of the MLH3 gene, results from a G to A substitution at nucleotide position 3293. The arginine at codon 1098 is replaced by lysine, an amino acid with highly similar properties. This amino acid position is well conserved in available vertebrate species. In addition, this alteration is predicted to be tolerated by in silico analysis. Based on the available evidence, the clinical significance of this variant remains unclear.

NM_001040108.2(MLH3):c.3293G>A (p.Arg1098Lys)

Gene: MLH3 (mutL homolog 3; minus strand). Cytogenetic location: 14q24.3.
Variant type: single nucleotide variant.
Coding change: c.3293G>A on transcript NM_001040108.2 (MANE Select); coding-DNA position 3293, G replaced by A.
Protein change: p.Arg1098Lys; replaces arginine 1098 with lysine.
Molecular consequence: missense variant.
Genome position (GRCh38, 1-based): chr14:75,042,465, C>T on the plus strand (G>A on the coding strand, the complement: MLH3 is on the minus strand). VCF-style: chr14-75042465-C-T. GRCh37 (hg19) VCF-style: chr14-75509168-C-T.
Other names: c.3293G>A, p.Arg1098Lys (NM_014381.3); short protein forms R1098K.
Identifiers: ClinVar variation 4860150 (VCV004860150.1).
Genomic context (GRCh38, chr14:75,042,465, plus strand): 5'-CTCTCTGCTCGAGCTCTCGGAAGGAAAGGAAGAACAAGGTCGCTTCTAAAAGGTTGACAC[C>T]TGTACTGAGACCCTAAATATAAGAAAGAAAAACCTAGAAATGTGAACTTAAAATACAAGT-3'
Protein context (NP_001035197.1, residues 1088-1108): DVVLENGSQY[Arg1098Lys]CQPFRSDLVL